The following is an entry in ClinVar:

NM_173728.4(ARHGEF15):c.754C>G (p.His252Asp)

Gene: ARHGEF15 (Rho guanine nucleotide exchange factor 15; plus strand). Cytogenetic location: 17p13.1.
Variant type: single nucleotide variant.
Coding change: c.754C>G on transcript NM_173728.4 (MANE Select); coding-DNA position 754, C replaced by G.
Protein change: p.His252Asp; replaces histidine 252 with aspartic acid.
Molecular consequence: missense variant.
Genome position (GRCh38, 1-based): chr17:8,313,074, C>G. VCF-style: chr17-8313074-C-G. GRCh37 (hg19) VCF-style: chr17-8216392-C-G.
Other names: c.754C>G, p.His252Asp (NM_025014.2); short protein forms H252D.
Identifiers: ClinVar variation 956960 (VCV000956960.12), dbSNP rs1342460023, ClinGen allele CA398016033.

ClinVar aggregate classification (germline): Uncertain significance. Review status: criteria provided, multiple submitters, no conflicts (2 of 4 stars). 2 submissions from 2 submitters: Uncertain significance (2). Last evaluated 2023-04-25.

Conditions:
Early-infantile DEE. Also called: Early infantile epileptic encephalopathy; Ohtahara syndrome; Early infantile epileptic encephalopathy with suppression bursts. Identifiers: Orphanet 1934, MedGen C0393706, MONDO:0800491.

Allele frequency attached by ClinVar (database versions not stated): gnomAD exomes below 0.00001.

Submissions (2):

Ambry Genetics
Classification: Uncertain significance. Last evaluated: 2023-04-25. Review status: criteria provided, single submitter. Criteria: Ambry Variant Classification Scheme 2023. Collection method: clinical testing. Allele origin: germline.

Labcorp Genetics (formerly Invitae), Labcorp
Classification: Uncertain significance for Early-infantile DEE. Last evaluated: 2019-09-21. Review status: criteria provided, single submitter. Criteria: Invitae Variant Classification Sherloc (09022015). Collection method: clinical testing. Allele origin: germline.
Comment: In summary, the available evidence is currently insufficient to determine the role of this variant in disease. Therefore, it has been classified as a Variant of Uncertain Significance. Algorithms developed to predict the effect of missense changes on protein structure and function (SIFT, PolyPhen-2, Align-GVGD) all suggest that this variant is likely to be tolerated, but these predictions have not been confirmed by published functional studies and their clinical significance is uncertain. This variant has not been reported in the literature in individuals with ARHGEF15-related conditions. This variant is not present in population databases (ExAC no frequency). This sequence change replaces histidine with aspartic acid at codon 252 of the ARHGEF15 protein (p.His252Asp). The histidine residue is weakly conserved and there is a moderate physicochemical difference between histidine and aspartic acid.